The following is an entry in ClinVar:

ClinVar aggregate classification (germline): Uncertain significance. Review status: criteria provided, multiple submitters, no conflicts (2 of 4 stars). 2 submissions from 2 submitters: Uncertain significance (2). Last evaluated 2025-05-04.

Conditions:
Hereditary cancer-predisposing syndrome. Also called: Hereditary Cancer Syndrome; Tumor predisposition; Neoplastic Syndromes, Hereditary; Hereditary neoplastic syndrome. Identifiers: Orphanet 140162, MedGen C0027672, MeSH D009386, MONDO:0015356.
Gastrointestinal stromal tumor. Also called: Gastrointestinal stromal tumor, somatic; Gastrointestinal stroma tumor. Identifiers: Orphanet 44890, MedGen C0238198, MeSH D046152, MONDO:0011719, OMIM 606764, HP:0100723.

Allele frequency attached by ClinVar (database versions not stated): gnomAD exomes below 0.00001.
gnomAD v4.1: 3 of 1,614,150 alleles (0.00019%); highest among the groups gnomAD compares: Admixed American, 0.0033%; no homozygotes.

Submissions (2):

Labcorp Genetics (formerly Invitae), Labcorp
Classification: Uncertain significance for Gastrointestinal stromal tumor. Last evaluated: 2025-05-04. Review status: criteria provided, single submitter. Criteria: Invitae Variant Classification Sherloc (09022015). Collection method: clinical testing. Allele origin: germline.
Comment: This sequence change replaces serine, which is neutral and polar, with isoleucine, which is neutral and non-polar, at codon 66 of the PDGFRA protein (p.Ser66Ile). This variant is not present in population databases (gnomAD no frequency). This variant has not been reported in the literature in individuals affected with PDGFRA-related conditions. ClinVar contains an entry for this variant (Variation ID: 646488). Invitae Evidence Modeling of protein sequence and biophysical properties (such as structural, functional, and spatial information, amino acid conservation, physicochemical variation, residue mobility, and thermodynamic stability) indicates that this missense variant is not expected to disrupt PDGFRA protein function with a negative predictive value of 80%. In summary, the available evidence is currently insufficient to determine the role of this variant in disease. Therefore, it has been classified as a Variant of Uncertain Significance.

Ambry Genetics
Classification: Uncertain significance for Hereditary cancer-predisposing syndrome. Last evaluated: 2024-06-07. Review status: criteria provided, single submitter. Criteria: Ambry Variant Classification Scheme 2023. Collection method: clinical testing. Allele origin: germline.
Comment: The p.S66I variant (also known as c.197G>T), located in coding exon 2 of the PDGFRA gene, results from a G to T substitution at nucleotide position 197. The serine at codon 66 is replaced by isoleucine, an amino acid with dissimilar properties. This amino acid position is conserved. In addition, this alteration is predicted to be tolerated by in silico analysis. Since supporting evidence is limited at this time, the clinical significance of this alteration remains unclear.

NM_006206.6(PDGFRA):c.197G>T (p.Ser66Ile)

Gene: PDGFRA (platelet derived growth factor receptor alpha; plus strand). Cytogenetic location: 4q12.
Variant type: single nucleotide variant.
Coding change: c.197G>T on transcript NM_006206.6 (MANE Select); coding-DNA position 197, G replaced by T.
Protein change: p.Ser66Ile; replaces serine 66 with isoleucine.
Molecular consequence: missense variant.
Genome position (GRCh38, 1-based): chr4:54,261,242, G>T. VCF-style: chr4-54261242-G-T. GRCh37 (hg19) VCF-style: chr4-55127409-G-T.
Other names: c.197G>T, p.Ser66Ile (NM_001347827.2, NM_001347829.2); c.272G>T, p.Ser91Ile (NM_001347828.2); c.236G>T, p.Ser79Ile (NM_001347830.2); short protein forms S66I, S79I, S91I.
Identifiers: ClinVar variation 646488 (VCV000646488.14), dbSNP rs1577705273, ClinGen allele CA356888471.